The following is an entry in ClinVar:

ClinVar aggregate classification (germline): Likely benign (1 of 4 stars; one submission).

Submission:

CeGaT Center for Human Genetics Tuebingen
Classification: Likely benign. Last evaluated: 2024-08-01. Review status: criteria provided, single submitter. Criteria: CeGaT Center For Human Genetics Tuebingen Variant Classification Criteria Version 2. Collection method: clinical testing. Allele origin: germline. Affected: yes. Observed: 1 variant allele.
Comment: SHANK3: BP4, BP7

NM_001372044.2(SHANK3):c.2220-158G>A

Gene: SHANK3 (SH3 and multiple ankyrin repeat domains 3; plus strand). Cytogenetic location: 22q13.33.
Variant type: single nucleotide variant.
Coding change: c.2220-158G>A on transcript NM_001372044.2 (MANE Select); 158 bases into the intron before coding-DNA position 2220, G replaced by A.
Molecular consequence: intron variant.
Genome position (GRCh38, 1-based): chr22:50,705,914, G>A. VCF-style: chr22-50705914-G-A. GRCh37 (hg19) VCF-style: chr22-51144342-G-A.
Identifiers: ClinVar variation 3341880 (VCV003341880.16).